The following is an entry in ClinVar:

ClinVar aggregate classification (germline): Uncertain significance. Review status: criteria provided, single submitter (1 of 4 stars). 2 submissions from 2 submitters: Uncertain significance (1). 1 of the submissions does not count toward it. Last evaluated 2022-03-26.

Conditions:
Fibrous dysplasia of jaw (CRBM). Also called: Cherubism. Identifiers: Orphanet 184, MedGen C0008029, MONDO:0007315, OMIM 118400.

Submissions (2):

Labcorp Genetics (formerly Invitae), Labcorp
Classification: Uncertain significance for Fibrous dysplasia of jaw. Last evaluated: 2022-03-26. Review status: criteria provided, single submitter. Criteria: Invitae Variant Classification Sherloc (09022015). Collection method: clinical testing. Allele origin: germline.
Comment: In summary, the available evidence is currently insufficient to determine the role of this variant in disease. Therefore, it has been classified as a Variant of Uncertain Significance. This variant disrupts the p.Arg415 amino acid residue in SH3BP2. Other variant(s) that disrupt this residue have been determined to be pathogenic (PMID: 11381256, 16786512, 21045962, 22153077, 22795151, 24382142, 24608212, 26064398, 28644570, 30236129). This suggests that this residue is clinically significant, and that variants that disrupt this residue are likely to be disease-causing. Algorithms developed to predict the effect of missense changes on protein structure and function are either unavailable or do not agree on the potential impact of this missense change (SIFT: "Deleterious"; PolyPhen-2: "Possibly Damaging"; Align-GVGD: "Class C0"). ClinVar contains an entry for this variant (Variation ID: 981612). This variant has not been reported in the literature in individuals affected with SH3BP2-related conditions. This variant is not present in population databases (gnomAD no frequency). This sequence change replaces arginine, which is basic and polar, with leucine, which is neutral and non-polar, at codon 415 of the SH3BP2 protein (p.Arg415Leu).

Service de Génétique Moléculaire, Hôpital Robert Debré
Classification: Uncertain significance for Fibrous dysplasia of jaw. Review status: no assertion criteria provided. Collection method: clinical testing. Allele origin: unknown. Affected: yes. Not counted in ClinVar's aggregate classification.

Literature cited by the submitters: PubMed 11381256 (cited by Labcorp Genetics (formerly Invitae), Labcorp); PubMed 16786512 (cited by Labcorp Genetics (formerly Invitae), Labcorp); PubMed 21045962 (cited by Labcorp Genetics (formerly Invitae), Labcorp); PubMed 22153077 (cited by Labcorp Genetics (formerly Invitae), Labcorp); PubMed 22795151 (cited by Labcorp Genetics (formerly Invitae), Labcorp); PubMed 24382142 (cited by Labcorp Genetics (formerly Invitae), Labcorp); PubMed 24608212 (cited by Labcorp Genetics (formerly Invitae), Labcorp); PubMed 26064398 (cited by Labcorp Genetics (formerly Invitae), Labcorp); PubMed 28644570 (cited by Labcorp Genetics (formerly Invitae), Labcorp); PubMed 30236129 (cited by Labcorp Genetics (formerly Invitae), Labcorp).

NM_001122681.2(SH3BP2):c.1244G>T (p.Arg415Leu)

Gene: SH3BP2 (SH3 domain binding protein 2; plus strand). Cytogenetic location: 4p16.3.
Variant type: single nucleotide variant.
Coding change: c.1244G>T on transcript NM_001122681.2 (MANE Select); coding-DNA position 1244, G replaced by T.
Protein change: p.Arg415Leu; replaces arginine 415 with leucine.
Molecular consequence: missense variant.
Genome position (GRCh38, 1-based): chr4:2,831,573, G>T. VCF-style: chr4-2831573-G-T. GRCh37 (hg19) VCF-style: chr4-2833300-G-T.
Other names: c.1328G>T, p.Arg443Leu (NM_001145855.2); c.1415G>T, p.Arg472Leu (NM_001145856.2); c.1244G>T, p.Arg415Leu (NM_003023.4); short protein forms R415L, R443L, R472L.
Identifiers: ClinVar variation 981612 (VCV000981612.5), dbSNP rs121909149, ClinGen allele CA356057525.